The following is an entry in ClinVar:

NM_212482.4(FN1):c.547+6T>C

Gene: FN1 (fibronectin 1; minus strand). Cytogenetic location: 2q35.
Variant type: single nucleotide variant.
Coding change: c.547+6T>C on transcript NM_212482.4 (MANE Select); 6 bases into the intron after coding-DNA position 547, T replaced by C.
Molecular consequence: intron variant.
Genome position (GRCh38, 1-based): chr2:215,431,827, A>G on the plus strand (T>C on the coding strand, the complement: FN1 is on the minus strand). VCF-style: chr2-215431827-A-G. GRCh37 (hg19) VCF-style: chr2-216296550-A-G.
Other names: c.547+6T>C (NM_001306131.2, NM_212476.3, NM_001365524.2 and 14 more transcripts).
Identifiers: ClinVar variation 3655293 (VCV003655293.2).

ClinVar aggregate classification (germline): Uncertain significance (1 of 4 stars; one submission).

Submission:

Labcorp Genetics (formerly Invitae), Labcorp
Classification: Uncertain significance. Last evaluated: 2024-09-06. Review status: criteria provided, single submitter. Criteria: Invitae Variant Classification Sherloc (09022015). Collection method: clinical testing. Allele origin: germline.
Comment: This sequence change falls in intron 4 of the FN1 gene. It does not directly change the encoded amino acid sequence of the FN1 protein. It affects a nucleotide within the consensus splice site. This variant is not present in population databases (gnomAD no frequency). This variant has not been reported in the literature in individuals affected with FN1-related conditions. Variants that disrupt the consensus splice site are a relatively common cause of aberrant splicing (PMID: 17576681, 9536098). Algorithms developed to predict the effect of sequence changes on RNA splicing suggest that this variant may disrupt the consensus splice site. In summary, the available evidence is currently insufficient to determine the role of this variant in disease. Therefore, it has been classified as a Variant of Uncertain Significance.

Literature cited by the submitters: PubMed 17576681; PubMed 9536098.